The following is an entry in ClinVar:

ClinVar aggregate classification (germline): Likely benign. Review status: criteria provided, multiple submitters, no conflicts (2 of 4 stars). 3 submissions from 3 submitters: Likely benign (3). Last evaluated 2026-04-01.

Conditions:
Inborn genetic diseases. Identifiers: MedGen C0950123, MeSH D030342.
Lower motor neuron syndrome with late-adult onset (SMAJ). Also called: Late-Onset Spinal Motor Neuronopathy (SMAJ); Spinal muscular atrophy, Jokela type. Identifiers: Orphanet 276435, MedGen C3554398, MONDO:0014025, OMIM 615048.
Autosomal dominant mitochondrial myopathy with exercise intolerance (IMMD). Also called: Myopathy, isolated mitochondrial, autosomal dominant. Identifiers: Orphanet 457050, MedGen C4015513, MONDO:0014532, OMIM 616209.
Frontotemporal dementia and/or amyotrophic lateral sclerosis 2. Also called: FTDALS2. Identifiers: Orphanet 275872, MedGen C4014648, MONDO:0014395, OMIM 615911.

Allele frequency attached by ClinVar (database versions not stated): gnomAD 0.00002; 1000 Genomes Project 30x 0.00016; ExAC 0.00029.

Submissions (3):

CeGaT Center for Human Genetics Tuebingen
Classification: Likely benign. Last evaluated: 2026-04-01. Review status: criteria provided, single submitter. Criteria: CeGaT Center For Human Genetics Tuebingen Variant Classification Criteria Version 2. Collection method: clinical testing. Allele origin: germline. Affected: yes. Observed: 1 variant allele.
Comment: CHCHD10: BS2

Labcorp Genetics (formerly Invitae), Labcorp
Classification: Likely benign for Lower motor neuron syndrome with late-adult onset; Frontotemporal dementia and/or amyotrophic lateral sclerosis 2; Autosomal dominant mitochondrial myopathy with exercise intolerance. Last evaluated: 2025-10-14. Review status: criteria provided, single submitter. Criteria: Invitae Variant Classification Sherloc (09022015). Collection method: clinical testing. Allele origin: germline.

Ambry Genetics
Classification: Likely benign for Inborn genetic diseases. Last evaluated: 2025-08-22. Review status: criteria provided, single submitter. Criteria: Ambry Variant Classification Scheme 2023. Collection method: clinical testing. Allele origin: germline.

NM_213720.3(CHCHD10):c.134T>A (p.Met45Lys)

Gene: CHCHD10 (coiled-coil-helix-coiled-coil-helix domain containing 10; minus strand). Cytogenetic location: 22q11.23.
Variant type: single nucleotide variant.
Coding change: c.134T>A on transcript NM_213720.3 (MANE Select); coding-DNA position 134, T replaced by A.
Protein change: p.Met45Lys; replaces methionine 45 with lysine.
Molecular consequence: missense variant. On other transcripts: non-coding transcript variant (1).
Genome position (GRCh38, 1-based): chr22:23,767,501, A>T on the plus strand (T>A on the coding strand, the complement: CHCHD10 is on the minus strand). VCF-style: chr22-23767501-A-T. GRCh37 (hg19) VCF-style: chr22-24109688-A-T.
Other names: c.134T>A, p.Met45Lys (NM_001301339.2); c.134T>A (NM_213720.1); short protein forms M45K.
Identifiers: ClinVar variation 2197981 (VCV002197981.7), dbSNP rs770541978, ClinGen allele CA10145309.